The following is an entry in ClinVar:

NM_001098672.2(HEPHL1):c.1295G>A (p.Arg432Gln)

Gene: HEPHL1 (hephaestin like 1; plus strand). Cytogenetic location: 11q21.
Variant type: single nucleotide variant.
Coding change: c.1295G>A on transcript NM_001098672.2 (MANE Select); coding-DNA position 1295, G replaced by A.
Protein change: p.Arg432Gln; replaces arginine 432 with glutamine.
Molecular consequence: missense variant.
Genome position (GRCh38, 1-based): chr11:94,073,087, G>A. VCF-style: chr11-94073087-G-A. GRCh37 (hg19) VCF-style: chr11-93806253-G-A.
Other names: short protein forms R432Q.
Identifiers: ClinVar variation 3037777 (VCV003037777.2), dbSNP rs78786722, ClinGen allele CA6233213.
Genomic context (GRCh38, chr11:94,073,087, plus strand): 5'-ACTCTGATCTCTACTTCACACAAGGGGACAACAGAATAGGAGGAAAATACTGGAAGGTTC[G>A]GTATACTGAATTTGTTGATGCAACTTTTACTAAAAGAAAGAGACTCTCTGCTGAAGAAGC-3'
Protein context (NP_001092142.1, residues 422-442): NRIGGKYWKV[Arg432Gln]YTEFVDATFT

ClinVar aggregate classification (germline): Benign (0 of 4 stars; one submission).

Conditions:
HEPHL1-related disorder. Also called: HEPHL1-related condition.

Allele frequency attached by ClinVar (database versions not stated): ExAC 0.00315; 1000 Genomes Project 30x 0.00796; 1000 Genomes Project 0.00819; gnomAD 0.00905; ESP Exome Variant Server 0.01003; TOPMed 0.01009.
gnomAD v4.1: 3,292 of 1,612,782 alleles (0.2%); highest among the groups gnomAD compares: African/African-American, 3.1%; 42 homozygotes.

Submission:

PreventionGenetics, part of Exact Sciences
Classification: Benign for HEPHL1-related condition. Last evaluated: 2019-12-03. Review status: no assertion criteria provided. Collection method: clinical testing. Allele origin: germline.
Comment: This variant is classified as benign based on ACMG/AMP sequence variant interpretation guidelines (Richards et al. 2015 PMID: 25741868, with internal and published modifications).